The following is an entry in ClinVar:

ClinVar aggregate classification (germline): Uncertain significance. Review status: criteria provided, multiple submitters, no conflicts (2 of 4 stars). 10 submissions from 10 submitters: Uncertain significance (7). 3 of the submissions do not count toward it. Last evaluated 2026-04-13.

Conditions:
Inborn genetic diseases. Identifiers: MedGen C0950123, MeSH D030342.
Sinoatrial node dysfunction and deafness (SANDD). Identifiers: Orphanet 324321, MedGen C3554018, MONDO:0013960, OMIM 614896.
Aldosterone-producing adenoma with seizures and neurological abnormalities. Also called: Primary aldosteronism, seizures, and neurologic abnormalities. Identifiers: Orphanet 369929, MedGen C3809609, MONDO:0014200, OMIM 615474.

Allele frequency attached by ClinVar (database versions not stated): 1000 Genomes Project 30x 0.00016; 1000 Genomes Project 0.00020; ESP Exome Variant Server 0.00031; gnomAD 0.00035; TOPMed 0.00043.
gnomAD v4.1: 879 of 1,614,140 alleles (0.054%); highest among the groups gnomAD compares: Non-Finnish European, 0.07%; no homozygotes.

Submissions (10):

Women's Health and Genetics/Laboratory Corporation of America, LabCorp
Classification: Uncertain significance. Last evaluated: 2026-04-13. Review status: criteria provided, single submitter. Criteria: LabCorp Variant Classification Summary - May 2015. Collection method: clinical testing. Allele origin: germline.
Comment: Variant summary: CACNA1D c.5356G>C (p.Ala1786Pro) results in a non-conservative amino acid change in the encoded protein sequence. Algorithms developed to predict the effect of missense changes on protein structure and function are either unavailable or do not agree on the potential impact of this missense change. The variant allele was found at a frequency of 0.0002 in 251482 control chromosomes. This frequency is not significantly higher than estimated for disease-causing variants in CACNA1D, allowing no conclusion about variant significance. c.5356G>C has been observed in individuals affected with Bipolar Disorder without good segregation (Ross_2016). These report(s) do not provide unequivocal conclusions about association of the variant with Sinoatrial Node Dysfunction And Deafness. To our knowledge, no experimental evidence demonstrating an impact on protein function has been reported. The following publication have been ascertained in the context of this evaluation (PMID: 27867939). ClinVar contains an entry for this variant (Variation ID: 504809). Based on the evidence outlined above, the variant was classified as uncertain significance.

Labcorp Genetics (formerly Invitae), Labcorp
Classification: Uncertain significance. Last evaluated: 2026-01-26. Review status: criteria provided, single submitter. Criteria: Invitae Variant Classification Sherloc (09022015). Collection method: clinical testing. Allele origin: germline.
Comment: This sequence change replaces alanine, which is neutral and non-polar, with proline, which is neutral and non-polar, at codon 1786 of the CACNA1D protein (p.Ala1786Pro). This variant is present in population databases (rs199874790, gnomAD 0.05%). This variant has not been reported in the literature in individuals affected with CACNA1D-related conditions. ClinVar contains an entry for this variant (Variation ID: 504809). An algorithm developed to predict the effect of missense changes on protein structure and function (PolyPhen-2) suggests that this variant is likely to be tolerated. In summary, the available evidence is currently insufficient to determine the role of this variant in disease. Therefore, it has been classified as a Variant of Uncertain Significance.

GeneDx
Classification: Uncertain significance. Last evaluated: 2025-10-06. Review status: criteria provided, single submitter. Criteria: GeneDx Variant Classification Process June 2021. Collection method: clinical testing. Allele origin: germline. Affected: yes.
Comment: In silico analysis suggests that this missense variant does not alter protein structure/function; Has not been previously published as pathogenic or benign in association with a CACNA1D-related disorder to our knowledge; This variant is associated with the following publications: (PMID: 35101157, 27867939)

Fulgent Genetics
Classification: Uncertain significance for Sinoatrial node dysfunction and deafness; Aldosterone-producing adenoma with seizures and neurological abnormalities. Last evaluated: 2021-09-08. Review status: criteria provided, single submitter. Criteria: ACMG Guidelines, 2015. Collection method: clinical testing. Allele origin: unknown.

Ambry Genetics
Classification: Uncertain significance for Inborn genetic diseases. Last evaluated: 2021-08-04. Review status: criteria provided, single submitter. Criteria: Ambry Variant Classification Scheme 2023. Collection method: clinical testing. Allele origin: germline.
Comment: Unlikely to be causative of primary aldosteronism, seizures, and neurologic abnormalities (AD) Based on insufficient or conflicting evidence, the clinical significance of this alteration remains unclear.

Athena Diagnostics
Classification: Uncertain significance. Last evaluated: 2020-07-09. Review status: criteria provided, single submitter. Criteria: Athena Diagnostics Criteria. Collection method: clinical testing. Allele origin: unknown.

Laboratory for Molecular Medicine, Mass General Brigham Personalized Medicine
Classification: Uncertain significance. Last evaluated: 2016-09-06. Review status: criteria provided, single submitter. Criteria: LMM Criteria. Collection method: clinical testing. Allele origin: germline. Observed: 1 variant allele.
Comment: Variant classified as Uncertain Significance - Favor Benign. The p.Ala1786Pro va riant in CACNA1D has not been previously reported in individuals with hearing lo ss and has been identified in 21/66696 European chromosomes by the Exome Aggrega tion Consortium (ExAC; dbSNP rs199874790). Altho ugh this variant has been seen in the general population, its frequency is not h igh enough to rule out a pathogenic role. Computational prediction tools and con servation analyses suggest that this variant may not impact the protein, though this information is not predictive enough to rule out pathogenicity. In summary, while the clinical significance of the p.Ala1786Pro variant is uncertain, these data suggest that it is more likely to be benign.

Clinical Genetics DNA and cytogenetics Diagnostics Lab, Erasmus MC, Erasmus Medical Center
Classification: Likely benign. Review status: no assertion criteria provided. Collection method: clinical testing. Allele origin: germline. Affected: yes. Study: VKGL Data-share Consensus. Not counted in ClinVar's aggregate classification.

Clinical Genetics, Academic Medical Center
Classification: Likely benign. Review status: no assertion criteria provided. Collection method: clinical testing. Allele origin: germline. Affected: yes. Study: VKGL Data-share Consensus. Not counted in ClinVar's aggregate classification.

Joint Genome Diagnostic Labs from Nijmegen and Maastricht, Radboudumc and MUMC+
Classification: Likely benign. Review status: no assertion criteria provided. Collection method: clinical testing. Allele origin: germline. Affected: yes. Study: VKGL Data-share Consensus. Not counted in ClinVar's aggregate classification.

Literature cited by the submitters: PubMed 27867939 (cited by Women's Health and Genetics/Laboratory Corporation of America, LabCorp).

NM_001128840.3(CACNA1D):c.5296G>C (p.Ala1766Pro)

Gene: CACNA1D (calcium voltage-gated channel subunit alpha1 D; plus strand). Cytogenetic location: 3p21.1.
Variant type: single nucleotide variant.
Coding change: c.5296G>C on transcript NM_001128840.3 (MANE Select); coding-DNA position 5296, G replaced by C.
Protein change: p.Ala1766Pro; replaces alanine 1766 with proline.
Molecular consequence: missense variant.
Genome position (GRCh38, 1-based): chr3:53,801,313, G>C. VCF-style: chr3-53801313-G-C. GRCh37 (hg19) VCF-style: chr3-53835340-G-C.
Other names: c.5356G>C, p.Ala1786Pro (NM_000720.4); c.5251G>C, p.Ala1751Pro (NM_001128839.3); short protein forms A1786P, A1751P, A1766P.
Identifiers: ClinVar variation 504809 (VCV000504809.21), dbSNP rs199874790, ClinGen allele CA2455096.